The following is an entry in ClinVar:

ClinVar aggregate classification (germline): Conflicting classifications of pathogenicity. Review status: criteria provided, conflicting classifications (1 of 4 stars). 6 submissions from 5 submitters: Uncertain significance (3); Benign (2); Likely benign (1). Last evaluated 2026-08-01.

Conditions:
Sacral defect with anterior meningocele. Identifiers: MedGen C1838568, OMIM 600145.
Neural tube defect (NTD). Also called: Neural tube defects. Identifiers: Orphanet 3388, Orphanet 823, MedGen C0027794, MONDO:0018075, HP:0045005.

Allele frequency attached by ClinVar (database versions not stated): ESP Exome Variant Server 0.00177; gnomAD exomes 0.00056 and 0.00058; ExAC 0.00058; gnomAD 0.00128 and 0.00121; 1000 Genomes Project 30x 0.00156; TOPMed 0.00127; 1000 Genomes Project 0.00160.
gnomAD v4.1: 1,024 of 1,614,184 alleles (0.063%); highest among the groups gnomAD compares: African/African-American, 0.32%; 3 homozygotes.

Submissions (6):

CeGaT Center for Human Genetics Tuebingen
Classification: Benign. Last evaluated: 2026-08-01. Review status: criteria provided, single submitter. Criteria: CeGaT Center For Human Genetics Tuebingen Variant Classification Criteria Version 2. Collection method: clinical testing. Allele origin: germline. Affected: yes. Observed: 1 variant allele.
Comment: VANGL1: BP4, BS1, BS2

Blueprint Genetics
Classification: Likely benign. Last evaluated: 2024-11-05. Review status: criteria provided, single submitter. Criteria: ACMG Guidelines, 2015. Collection method: clinical testing. Allele origin: germline.

Center for Personalized Medicine, Children's Hospital Los Angeles
Classification: Uncertain significance. Last evaluated: 2018-11-19. Review status: criteria provided, single submitter. Criteria: ACMG Guidelines, 2015. Collection method: clinical testing. Allele origin: germline. Affected: yes.

Illumina Laboratory Services, Illumina
Classification: Benign for Sacral defect with anterior meningocele. Last evaluated: 2018-01-13. Review status: criteria provided, single submitter. Criteria: ICSL Variant Classification Criteria 13 December 2019. Collection method: clinical testing. Allele origin: germline.
Comment: This variant was observed in the ICSL laboratory as part of a predisposition screen in an ostensibly healthy population. It had not been previously curated by ICSL or reported in the Human Gene Mutation Database (HGMD: prior to June 1st, 2018), and was therefore a candidate for classification through an automated scoring system. Utilizing variant allele frequency, disease prevalence and penetrance estimates, and inheritance mode, an automated score was calculated to assess if this variant is too frequent to cause the disease. Based on the score and internal cut-off values, a variant classified as benign is not then subjected to further curation. The score for this variant resulted in a classification of benign for this disease.

Illumina Laboratory Services, Illumina
Classification: Uncertain significance for Neural tube defects, susceptibility to. Last evaluated: 2018-01-13. Review status: criteria provided, single submitter. Criteria: ICSL Variant Classification Criteria 13 December 2019. Collection method: clinical testing. Allele origin: germline.

Eurofins Ntd Llc (ga)
Classification: Uncertain significance. Last evaluated: 2014-02-17. Review status: criteria provided, single submitter. Criteria: EGL Classification Definitions 2015. Collection method: clinical testing. Allele origin: germline.

NM_138959.3(VANGL1):c.523C>T (p.Arg175Trp)

Gene: VANGL1 (VANGL planar cell polarity protein 1; plus strand). Cytogenetic location: 1p13.1.
Variant type: single nucleotide variant.
Coding change: c.523C>T on transcript NM_138959.3 (MANE Select); coding-DNA position 523, C replaced by T.
Protein change: p.Arg175Trp; replaces arginine 175 with tryptophan.
Molecular consequence: missense variant.
Genome position (GRCh38, 1-based): chr1:115,663,979, C>T. VCF-style: chr1-115663979-C-T. GRCh37 (hg19) VCF-style: chr1-116206600-C-T.
Other names: c.517C>T, p.Arg173Trp (NM_001172411.2); c.523C>T, p.Arg175Trp (NM_001172412.2); short protein forms R175W, R173W.
Identifiers: ClinVar variation 167818 (VCV000167818.13), dbSNP rs142594314, ClinGen allele CA235195.